The following is an entry in ClinVar:

ClinVar aggregate classification (germline): Uncertain significance (1 of 4 stars; one submission).

gnomAD v4.1: 1 of 1,579,510 alleles (0.000063%); highest among the groups gnomAD compares: Non-Finnish European, 0.000087%; no homozygotes.

Submission:

Labcorp Genetics (formerly Invitae), Labcorp
Classification: Uncertain significance. Last evaluated: 2024-09-09. Review status: criteria provided, single submitter. Criteria: Invitae Variant Classification Sherloc (09022015). Collection method: clinical testing. Allele origin: germline.
Comment: This sequence change falls in intron 2 of the EPRS gene. It does not directly change the encoded amino acid sequence of the EPRS protein. It affects a nucleotide within the consensus splice site. This variant is present in population databases (no rsID available, gnomAD 0.0009%). This variant has not been reported in the literature in individuals affected with EPRS-related conditions. Variants that disrupt the consensus splice site are a relatively common cause of aberrant splicing (PMID: 17576681, 9536098). Algorithms developed to predict the effect of sequence changes on RNA splicing suggest that this variant is not likely to affect RNA splicing. In summary, the available evidence is currently insufficient to determine the role of this variant in disease. Therefore, it has been classified as a Variant of Uncertain Significance.

Literature cited by the submitters: PubMed 17576681; PubMed 9536098.

NM_004446.3(EPRS1):c.131+3A>G

Gene: EPRS1 (glutamyl-prolyl-tRNA synthetase 1; minus strand). Cytogenetic location: 1q41.
Variant type: single nucleotide variant.
Coding change: c.131+3A>G on transcript NM_004446.3 (MANE Select); 3 bases into the intron after coding-DNA position 131, A replaced by G.
Molecular consequence: intron variant.
Genome position (GRCh38, 1-based): chr1:220,040,182, T>C on the plus strand (A>G on the coding strand, the complement: EPRS1 is on the minus strand). VCF-style: chr1-220040182-T-C. GRCh37 (hg19) VCF-style: chr1-220213524-T-C.
Identifiers: ClinVar variation 3664164 (VCV003664164.2).